The following is an entry in ClinVar:

ClinVar aggregate classification (germline): Uncertain significance (1 of 4 stars; one submission).

Conditions:
CACNA1G-related disorder. Also called: CACNA1G-related disorders; CACNA1G-related condition.

gnomAD v4.1: 5 of 1,613,846 alleles (0.00031%); highest among the groups gnomAD compares: African/African-American, 0.0013%; no homozygotes.

Submission:

PreventionGenetics, part of Exact Sciences
Classification: Uncertain significance for CACNA1G-related condition. Last evaluated: 2026-04-03. Review status: criteria provided, single submitter. Criteria: ACMG Guidelines, 2015. Collection method: clinical testing. Allele origin: germline.
Comment: The CACNA1G c.5072C>T variant is predicted to result in the amino acid substitution p.Thr1691Met. To our knowledge, this variant has not been reported in the literature. This variant is reported in 0.0033% of alleles in individuals of South Asian descent in gnomAD. At this time, the clinical significance of this variant is uncertain due to the absence of conclusive functional and genetic evidence.

NM_018896.5(CACNA1G):c.5072C>T (p.Thr1691Met)

Gene: CACNA1G (calcium voltage-gated channel subunit alpha1 G; plus strand). Cytogenetic location: 17q21.33.
Variant type: single nucleotide variant.
Coding change: c.5072C>T on transcript NM_018896.5 (MANE Select); coding-DNA position 5072, C replaced by T.
Protein change: p.Thr1691Met; replaces threonine 1691 with methionine.
Molecular consequence: missense variant. On other transcripts: non-coding transcript variant (5).
Genome position (GRCh38, 1-based): chr17:50,617,488, C>T. VCF-style: chr17-50617488-C-T. GRCh37 (hg19) VCF-style: chr17-48694849-C-T.
Other names: c.5018C>T, p.Thr1673Met (NM_001256324.2, NM_001256328.2, NM_198386.3); c.5093C>T, p.Thr1698Met (NM_001256325.2); c.4937C>T, p.Thr1646Met (NM_001256326.2, NM_001256330.2); c.5072C>T, p.Thr1691Met (NM_001256327.2, NM_001256333.2, NM_198384.3 and 1 more transcripts); c.4970C>T, p.Thr1657Met (NM_001256329.2, NM_198376.3, NM_198379.3 and 2 more transcripts); c.4916C>T, p.Thr1639Met (NM_001256331.2); c.4901C>T, p.Thr1634Met (NM_001256332.2); c.5039C>T, p.Thr1680Met (NM_001256334.2, NM_198377.3, NM_198378.3 and 1 more transcripts); and 5 more; short protein forms T1646M, T1657M, T1673M, T1634M, T1664M, T1680M, T1639M, T1650M.
Identifiers: ClinVar variation 4979818 (VCV004979818.1).